The following is an entry in ClinVar:

ClinVar aggregate classification (germline): Uncertain significance. Review status: criteria provided, multiple submitters, no conflicts (2 of 4 stars). 2 submissions from 2 submitters: Uncertain significance (2). Last evaluated 2023-12-05.

Conditions:
Familial adenomatous polyposis 1 (FAP1). Also called: FAMILIAL ADENOMATOUS POLYPOSIS 1, ATTENUATED; POLYPOSIS, ADENOMATOUS INTESTINAL. Identifiers: MedGen C2713442, MONDO:0021056, OMIM 175100. Disease mechanism: loss of function.
Hereditary cancer-predisposing syndrome. Also called: Neoplastic Syndromes, Hereditary; Tumor predisposition; Hereditary Cancer Syndrome; Hereditary neoplastic syndrome. Identifiers: Orphanet 140162, MedGen C0027672, MeSH D009386, MONDO:0015356.

Submissions (2):

Color Diagnostics, LLC DBA Color Health
Classification: Uncertain significance for Hereditary cancer-predisposing syndrome. Last evaluated: 2023-12-05. Review status: criteria provided, single submitter. Criteria: ACMG Guidelines, 2015. Collection method: clinical testing. Allele origin: germline.
Comment: This missense variant replaces proline with leucine at codon 2316 of the APC protein. Computational prediction suggests that this variant may not impact protein structure and function (internally defined REVEL score threshold <= 0.5, PMID: 27666373). To our knowledge, functional studies have not been reported for this variant. This variant has not been reported in individuals affected with APC-related disorders in the literature. This variant has not been identified in the general population by the Genome Aggregation Database (gnomAD). The available evidence is insufficient to determine the role of this variant in disease conclusively. Therefore, this variant is classified as a Variant of Uncertain Significance.

Labcorp Genetics (formerly Invitae), Labcorp
Classification: Uncertain significance for Familial adenomatous polyposis 1. Last evaluated: 2023-08-18. Review status: criteria provided, single submitter. Criteria: Invitae Variant Classification Sherloc (09022015). Collection method: clinical testing. Allele origin: germline.
Comment: This sequence change replaces proline, which is neutral and non-polar, with leucine, which is neutral and non-polar, at codon 2316 of the APC protein (p.Pro2316Leu). This variant is not present in population databases (gnomAD no frequency). This variant has not been reported in the literature in individuals affected with APC-related conditions. ClinVar contains an entry for this variant (Variation ID: 924724). Advanced modeling of protein sequence and biophysical properties (such as structural, functional, and spatial information, amino acid conservation, physicochemical variation, residue mobility, and thermodynamic stability) performed at Invitae indicates that this missense variant is not expected to disrupt APC protein function. In summary, the available evidence is currently insufficient to determine the role of this variant in disease. Therefore, it has been classified as a Variant of Uncertain Significance.

NM_000038.6(APC):c.6947C>T (p.Pro2316Leu)

Gene: APC (APC regulator of Wnt signaling pathway; plus strand). Cytogenetic location: 5q22.2.
Variant type: single nucleotide variant.
Coding change: c.6947C>T on transcript NM_000038.6 (MANE Select); coding-DNA position 6947, C replaced by T.
Protein change: p.Pro2316Leu; replaces proline 2316 with leucine.
Molecular consequence: missense variant.
Genome position (GRCh38, 1-based): chr5:112,842,541, C>T. VCF-style: chr5-112842541-C-T. GRCh37 (hg19) VCF-style: chr5-112178238-C-T.
Other names: c.6947C>T, p.Pro2316Leu (NM_001127510.3, NM_001354895.2); c.6893C>T, p.Pro2298Leu (NM_001127511.3); c.7001C>T, p.Pro2334Leu (NM_001354896.2); c.6977C>T, p.Pro2326Leu (NM_001354897.2); c.6872C>T, p.Pro2291Leu (NM_001354898.2); c.6863C>T, p.Pro2288Leu (NM_001354899.2); c.6824C>T, p.Pro2275Leu (NM_001354900.2); c.6770C>T, p.Pro2257Leu (NM_001354901.2); and 5 more; short protein forms P2033L, P2288L, P2190L, P2215L, P2225L, P2257L, P2298L, P2316L.
Identifiers: ClinVar variation 924724 (VCV000924724.7), dbSNP rs1766339558, ClinGen allele CA16036486.